The following is an entry in ClinVar:

NM_001291815.2(HMCN2):c.4047C>T (p.Asp1349=)

Gene: HMCN2 (hemicentin 2; plus strand). Cytogenetic location: 9q34.11.
Variant type: single nucleotide variant.
Coding change: c.4047C>T on transcript NM_001291815.2 (MANE Select); coding-DNA position 4047, C replaced by T.
Protein change: p.Asp1349=; no amino-acid change (aspartic acid 1349 retained).
Molecular consequence: synonymous variant.
Genome position (GRCh38, 1-based): chr9:130,348,567, C>T. VCF-style: chr9-130348567-C-T. GRCh37 (hg19) VCF-style: chr9-133223954-C-T.
Identifiers: ClinVar variation 2659584 (VCV002659584.24), dbSNP rs772343403, ClinGen allele CA5282078.

ClinVar aggregate classification (germline): Likely benign (1 of 4 stars; one submission).

Allele frequency attached by ClinVar (database versions not stated): gnomAD 0.00005; TOPMed 0.00005; ExAC 0.00007; gnomAD exomes 0.00007.
gnomAD v4.1: 87 of 1,304,054 alleles (0.0067%); highest among the groups gnomAD compares: East Asian, 0.017%; no homozygotes.

Submission:

CeGaT Center for Human Genetics Tuebingen
Classification: Likely benign. Last evaluated: 2022-11-01. Review status: criteria provided, single submitter. Criteria: CeGaT Center For Human Genetics Tuebingen Variant Classification Criteria Version 2. Collection method: clinical testing. Allele origin: germline. Affected: yes. Observed: 1 variant allele.
Comment: HMCN2: BP4, BP7